The following is an entry in ClinVar:

ClinVar aggregate classification (germline): Uncertain significance (1 of 4 stars; one submission).

Submission:

GeneDx
Classification: Uncertain significance. Last evaluated: 2023-10-22. Review status: criteria provided, single submitter. Criteria: GeneDx Variant Classification Process June 2021. Collection method: clinical testing. Allele origin: germline. Affected: yes.
Comment: Not observed at significant frequency in large population cohorts (gnomAD); In silico analysis supports that this missense variant does not alter protein structure/function; Has not been previously published as pathogenic or benign to our knowledge

NM_014233.4(UBTF):c.1066G>A (p.Val356Met)

Genes: ATXN7L3-AS1 (ATXN7L3 antisense RNA 1; plus strand), UBTF (upstream binding transcription factor; minus strand). Cytogenetic location: 17q21.31.
Variant type: single nucleotide variant.
Coding change: c.1066G>A on transcript NM_014233.4 (MANE Select); coding-DNA position 1066, G replaced by A.
Protein change: p.Val356Met; replaces valine 356 with methionine.
Molecular consequence: missense variant. On other transcripts: non-coding transcript variant (1).
Genome position (GRCh38, 1-based): chr17:44,211,313, C>T on the plus strand (G>A on the coding strand, the complement: UBTF is on the minus strand). VCF-style: chr17-44211313-C-T. GRCh37 (hg19) VCF-style: chr17-42288681-C-T.
Other names: c.955G>A, p.Val319Met (NM_001076683.2, NM_001076684.3); short protein forms V319M, V356M.
Identifiers: ClinVar variation 1708638 (VCV001708638.3), dbSNP rs2509931447, ClinGen allele CA399761905.